The following is an entry in ClinVar:

ClinVar aggregate classification (germline): Likely benign (1 of 4 stars; one submission).

gnomAD v4.1: 2 of 1,614,172 alleles (0.00012%); highest among the groups gnomAD compares: African/African-American, 0.0013%; no homozygotes.

Submission:

CeGaT Center for Human Genetics Tuebingen
Classification: Likely benign. Last evaluated: 2024-11-01. Review status: criteria provided, single submitter. Criteria: CeGaT Center For Human Genetics Tuebingen Variant Classification Criteria Version 2. Collection method: clinical testing. Allele origin: germline. Affected: yes. Observed: 1 variant allele.
Comment: TCF20: BP4

NM_001378418.1(TCF20):c.3871G>A (p.Gly1291Ser)

Gene: TCF20 (transcription factor 20; minus strand). Cytogenetic location: 22q13.2.
Variant type: single nucleotide variant.
Coding change: c.3871G>A on transcript NM_001378418.1 (MANE Select); coding-DNA position 3871, G replaced by A.
Protein change: p.Gly1291Ser; replaces glycine 1291 with serine.
Molecular consequence: missense variant.
Genome position (GRCh38, 1-based): chr22:42,211,435, C>T on the plus strand (G>A on the coding strand, the complement: TCF20 is on the minus strand). VCF-style: chr22-42211435-C-T. GRCh37 (hg19) VCF-style: chr22-42607441-C-T.
Other names: c.3871G>A, p.Gly1291Ser (NM_005650.4, NM_181492.3); short protein forms G1291S.
Identifiers: ClinVar variation 3388983 (VCV003388983.14).